The following is an entry in ClinVar:

NM_000553.6(WRN):c.3103A>G (p.Asn1035Asp)

Gene: WRN (WRN RecQ like helicase; plus strand). Cytogenetic location: 8p12.
Variant type: single nucleotide variant.
Coding change: c.3103A>G on transcript NM_000553.6 (MANE Select); coding-DNA position 3103, A replaced by G.
Protein change: p.Asn1035Asp; replaces asparagine 1035 with aspartic acid.
Molecular consequence: missense variant.
Genome position (GRCh38, 1-based): chr8:31,141,565, A>G. VCF-style: chr8-31141565-A-G. GRCh37 (hg19) VCF-style: chr8-30999081-A-G.
Other names: short protein forms N1035D.
Identifiers: ClinVar variation 580480 (VCV000580480.6), dbSNP rs769756672, ClinGen allele CA4704934.

ClinVar aggregate classification (germline): Uncertain significance (1 of 4 stars; one submission).

Conditions:
Werner syndrome (WRN). Identifiers: Orphanet 902, MedGen C0043119, MONDO:0010196, OMIM 277700.

Allele frequency attached by ClinVar (database versions not stated): ExAC 0.00001; gnomAD exomes 0.00001 and 0.00002; TOPMed 0.00001.
gnomAD v4.1: 6 of 1,614,178 alleles (0.00037%); highest among the groups gnomAD compares: Admixed American, 0.0083%; no homozygotes.

Submission:

Labcorp Genetics (formerly Invitae), Labcorp
Classification: Uncertain significance for Werner syndrome. Last evaluated: 2025-06-09. Review status: criteria provided, single submitter. Criteria: Invitae Variant Classification Sherloc (09022015). Collection method: clinical testing. Allele origin: germline.
Comment: This sequence change replaces asparagine, which is neutral and polar, with aspartic acid, which is acidic and polar, at codon 1035 of the WRN protein (p.Asn1035Asp). This variant is present in population databases (rs769756672, gnomAD 0.01%). This variant has not been reported in the literature in individuals affected with WRN-related conditions. ClinVar contains an entry for this variant (Variation ID: 580480). An algorithm developed to predict the effect of missense changes on protein structure and function (PolyPhen-2) suggests that this variant is likely to be tolerated. RNA analysis performed to evaluate the impact of this missense change on mRNA splicing indicates it does not significantly alter splicing (internal data). In summary, the available evidence is currently insufficient to determine the role of this variant in disease. Therefore, it has been classified as a Variant of Uncertain Significance.